The following is an entry in ClinVar:

NM_022552.5(DNMT3A):c.640-1426C>T

Gene: DNMT3A (DNA methyltransferase 3 alpha; minus strand). Cytogenetic location: 2p23.3.
Variant type: single nucleotide variant.
Coding change: c.640-1426C>T on transcript NM_022552.5 (MANE Select); 1426 bases into the intron before coding-DNA position 640, C replaced by T.
Molecular consequence: intron variant. On other transcripts: synonymous variant (1).
Genome position (GRCh38, 1-based): chr2:25,249,678, G>A on the plus strand (C>T on the coding strand, the complement: DNMT3A is on the minus strand). VCF-style: chr2-25249678-G-A. GRCh37 (hg19) VCF-style: chr2-25472547-G-A.
Other names: c.51C>T, p.Ser17= (NM_153759.3); c.640-1426C>T (NM_175629.2); c.184-1426C>T (NM_001320893.1); c.-30-1426C>T (NM_001375819.1).
Identifiers: ClinVar variation 4985603 (VCV004985603.1).

ClinVar aggregate classification (germline): Uncertain significance (1 of 4 stars; one submission).

Conditions:
DNMT3A-related disorder. Also called: DNMT3A-related disorders; DNMT3A-related condition.

gnomAD v4.1: 21 of 1,614,012 alleles (0.0013%); highest among the groups gnomAD compares: Admixed American, 0.0017%; no homozygotes.

Submission:

PreventionGenetics, part of Exact Sciences
Classification: Uncertain significance for DNMT3A-related condition. Last evaluated: 2025-07-10. Review status: criteria provided, single submitter. Criteria: ACMG Guidelines, 2015. Collection method: clinical testing. Allele origin: germline.
Comment: The DNMT3A c.51C>T variant is not predicted to result in an amino acid change (p.=). This variant is referred to as c.640-1426C>T (Intronic) on an alternate transcript NM_175629. To our knowledge, this variant has not been reported in the literature. This variant is predicted to alter splicing based on available splicing prediction programs (SpliceAI, Jaganathan et al. 2019. PubMed ID: 30661751). However, the use of computer prediction programs is not equivalent to functional evidence. At this time, the clinical significance of this variant is uncertain due to the absence of conclusive functional and genetic evidence.